The following is an entry in ClinVar:

ClinVar aggregate classification (germline): Uncertain significance (1 of 4 stars; one submission).

Conditions:
Hypertrophic cardiomyopathy. Also called: HYPERTROPHIC MYOCARDIOPATHY. Identifiers: Orphanet 217569, MedGen C0007194, MeSH D002312, MONDO:0005045, HP:0001639.

gnomAD v4.1: 1 of 1,612,174 alleles (0.000062%); highest among the groups gnomAD compares: African/African-American, 0.0013%; no homozygotes.

Submission:

Labcorp Genetics (formerly Invitae), Labcorp
Classification: Uncertain significance for Hypertrophic cardiomyopathy. Last evaluated: 2025-04-30. Review status: criteria provided, single submitter. Criteria: Invitae Variant Classification Sherloc (09022015). Collection method: clinical testing. Allele origin: germline.
Comment: This sequence change creates a premature translational stop signal (p.Gln144*) in the TPM1 gene. It is expected to result in an absent or disrupted protein product. However, the current clinical and genetic evidence is not sufficient to establish whether loss-of-function variants in TPM1 cause disease. This variant is not present in population databases (gnomAD no frequency). This variant has not been reported in the literature in individuals affected with TPM1-related conditions. In summary, the available evidence is currently insufficient to determine the role of this variant in disease. Therefore, it has been classified as a Variant of Uncertain Significance.

NM_001018005.2(TPM1):c.430C>T (p.Gln144Ter)

Gene: TPM1 (tropomyosin 1; plus strand). Cytogenetic location: 15q22.2.
Variant type: single nucleotide variant.
Coding change: c.430C>T on transcript NM_001018005.2 (MANE Select); coding-DNA position 430, C replaced by T.
Protein change: p.Gln144Ter; replaces glutamine 144 with a stop codon.
Molecular consequence: nonsense. On other transcripts: non-coding transcript variant (17).
Genome position (GRCh38, 1-based): chr15:63,059,618, C>T. VCF-style: chr15-63059618-C-T. GRCh37 (hg19) VCF-style: chr15-63351817-C-T.
Other names: c.430C>T, p.Gln144Ter (NM_000366.6, NM_001018004.2, NM_001018006.2 and 20 more transcripts); c.322C>T, p.Gln108Ter (NM_001018008.2, NM_001301289.2, NM_001330344.2 and 9 more transcripts); c.556C>T, p.Gln186Ter (NM_001365778.1, NM_001407322.1, NM_001407323.1 and 1 more transcripts); short protein forms Q108*, Q144*, Q186*.
Identifiers: ClinVar variation 4807831 (VCV004807831.1).